The following is an entry in ClinVar:

NM_007272.3(CTRC):c.668A>G (p.Gln223Arg)

Gene: CTRC (chymotrypsin C; plus strand). Cytogenetic location: 1p36.21.
Variant type: single nucleotide variant.
Coding change: c.668A>G on transcript NM_007272.3 (MANE Select); coding-DNA position 668, A replaced by G.
Protein change: p.Gln223Arg; replaces glutamine 223 with arginine.
Molecular consequence: missense variant.
Genome position (GRCh38, 1-based): chr1:15,445,625, A>G. VCF-style: chr1-15445625-A-G. GRCh37 (hg19) VCF-style: chr1-15772120-A-G.
Other names: short protein forms Q223R.
Identifiers: ClinVar variation 1754891 (VCV001754891.3), dbSNP rs1307323080, ClinGen allele CA338567729.

ClinVar aggregate classification (germline): Uncertain significance (1 of 4 stars; one submission).

Conditions:
Hereditary pancreatitis (PCTT). Also called: Hereditary chronic pancreatitis; PRSS1-Related Hereditary Pancreatitis. Identifiers: Orphanet 676, MedGen C0238339, MONDO:0008185, OMIM 167800.

Allele frequency attached by ClinVar (database versions not stated): gnomAD 0.00001; TOPMed 0.00001.

Submission:

Ambry Genetics
Classification: Uncertain significance for Hereditary pancreatitis. Last evaluated: 2025-05-04. Review status: criteria provided, single submitter. Criteria: Ambry Variant Classification Scheme 2023. Collection method: clinical testing. Allele origin: germline.
Comment: The p.Q223R variant (also known as c.668A>G), located in coding exon 7 of the CTRC gene, results from an A to G substitution at nucleotide position 668. The glutamine at codon 223 is replaced by arginine, an amino acid with highly similar properties. This amino acid position is conserved. In addition, the in silico prediction for this alteration is inconclusive. Since supporting evidence is limited at this time, the clinical significance of this alteration remains unclear.